The following is an entry in ClinVar:

ClinVar aggregate classification (germline): Pathogenic. Review status: criteria provided, multiple submitters, no conflicts (2 of 4 stars). 3 submissions from 3 submitters: Pathogenic (2). 1 of the submissions does not count toward it. Last evaluated 2024-06-11.

Conditions:
Jeune thoracic dystrophy. Also called: Jeune syndrome; Infantile thoracic dystrophy; Thoracic pelvic phalangeal dystrophy; Jeune's syndrome; Chondroectodermal dysplasia-like syndrome; Short-rib thoracic dysplasia. Identifiers: Orphanet 474, MedGen C0265275, MONDO:0018770.
Asphyxiating thoracic dystrophy 3. Also called: SHORT-RIB THORACIC DYSPLASIA 3 WITH OR WITHOUT POLYDACTYLY; POLYDACTYLY WITH NEONATAL CHONDRODYSTROPHY, TYPE I; SHORT-RIB THORACIC DYSPLASIA 3/6 WITH POLYDACTYLY, DIGENIC; Short rib polydactyly syndrome 2B; Saldino-Noonan Syndrome. Identifiers: Orphanet 474, Orphanet 93269, Orphanet 93270, Orphanet 93271, MedGen C0036069, MONDO:0013127, OMIM 613091.

Submissions (3):

Fulgent Genetics
Classification: Pathogenic for Asphyxiating thoracic dystrophy 3. Last evaluated: 2024-06-11. Review status: criteria provided, single submitter. Criteria: ACMG Guidelines, 2015. Collection method: clinical testing. Allele origin: germline.

Labcorp Genetics (formerly Invitae), Labcorp
Classification: Pathogenic for Jeune thoracic dystrophy. Last evaluated: 2023-11-24. Review status: criteria provided, single submitter. Criteria: Invitae Variant Classification Sherloc (09022015). Collection method: clinical testing. Allele origin: germline.
Comment: This sequence change creates a premature translational stop signal (p.Asn2845Ilefs*8) in the DYNC2H1 gene. It is expected to result in an absent or disrupted protein product. Loss-of-function variants in DYNC2H1 are known to be pathogenic (PMID: 23339108, 32753734, 33755199). The frequency data for this variant in the population databases is considered unreliable, as metrics indicate poor data quality at this position in the gnomAD database. This premature translational stop signal has been observed in individual(s) with short rib polydactyly syndrome (PMID: 22499340). ClinVar contains an entry for this variant (Variation ID: 40071). For these reasons, this variant has been classified as Pathogenic.

OMIM
Classification: Pathogenic for SHORT-RIB THORACIC DYSPLASIA 3 WITH POLYDACTYLY. Last evaluated: 2012-04-01. Review status: no assertion criteria provided. Collection method: literature only. Allele origin: germline. Not counted in ClinVar's aggregate classification.

Literature cited by the submitters: PubMed 23339108 (cited by Labcorp Genetics (formerly Invitae), Labcorp); PubMed 32753734 (cited by Labcorp Genetics (formerly Invitae), Labcorp); PubMed 33755199 (cited by Labcorp Genetics (formerly Invitae), Labcorp); PubMed 22499340 (cited by Labcorp Genetics (formerly Invitae), Labcorp and OMIM).

NM_001377.3(DYNC2H1):c.8534del (p.Asn2845fs)

Gene: DYNC2H1 (dynein cytoplasmic 2 heavy chain 1; plus strand). Cytogenetic location: 11q22.3.
Variant type: Deletion.
Coding change: c.8534del on transcript NM_001377.3 (MANE Select); coding-DNA position 8534, one base deleted (A; older notation c.8534delA).
Protein change: p.Asn2845fs; shifts the reading frame from asparagine 2845.
Molecular consequence: frameshift variant.
Genome position (GRCh38, 1-based): chr11:103,209,955, A deleted; the last of 8 consecutive A bases (chr11:103,209,948-103,209,955); deleting any one gives the same sequence. VCF-style (leftmost placement, unchanged base first): chr11-103209947-GA-G. GRCh37 (hg19) VCF-style: chr11-103080676-GA-G.
Other names: c.8534del, p.Asn2845fs (NM_001080463.2); short protein forms N2845fs.
Identifiers: ClinVar variation 40071 (VCV000040071.5), dbSNP rs431905507, ClinGen allele CA210581.